The following is an entry in ClinVar:

NM_145698.5(ACBD5):c.1243C>T (p.Arg415Trp)

Gene: ACBD5 (acyl-CoA binding domain containing 5; minus strand). Cytogenetic location: 10p12.1.
Variant type: single nucleotide variant.
Coding change: c.1243C>T on transcript NM_145698.5 (MANE Select); coding-DNA position 1243, C replaced by T.
Protein change: p.Arg415Trp; replaces arginine 415 with tryptophan.
Molecular consequence: missense variant.
Genome position (GRCh38, 1-based): chr10:27,208,407, G>A on the plus strand (C>T on the coding strand, the complement: ACBD5 is on the minus strand). VCF-style: chr10-27208407-G-A. GRCh37 (hg19) VCF-style: chr10-27497336-G-A.
Other names: c.1138C>T, p.Arg380Trp (NM_001042473.4, NM_001352577.2, NM_001352578.2 and 1 more transcripts); c.1237C>T, p.Arg413Trp (NM_001271512.3); c.916C>T, p.Arg306Trp (NM_001301251.2, NM_001301252.2, NM_001301253.2 and 2 more transcripts); c.712C>T, p.Arg238Trp (NM_001301254.2); c.1297C>T, p.Arg433Trp (NM_001352568.1); c.1276C>T, p.Arg426Trp (NM_001352569.1); c.1243C>T, p.Arg415Trp (NM_001352570.1); c.1270C>T, p.Arg424Trp (NM_001352571.1); and 11 more; short protein forms R312W, R380W, R238W, R356W, R358W, R415W, R422W, R424W.
Identifiers: ClinVar variation 1347157 (VCV001347157.4), dbSNP rs369898700, ClinGen allele CA5450691.

ClinVar aggregate classification (germline): Uncertain significance. Review status: criteria provided, multiple submitters, no conflicts (2 of 4 stars). 2 submissions from 2 submitters: Uncertain significance (2). Last evaluated 2025-08-01.

Conditions:
Inborn genetic diseases. Identifiers: MedGen C0950123, MeSH D030342.

Allele frequency attached by ClinVar (database versions not stated): gnomAD exomes 0.00001; ExAC 0.00002; gnomAD 0.00002; TOPMed 0.00002; ESP Exome Variant Server 0.00008.

Submissions (2):

Ambry Genetics
Classification: Uncertain significance for Inborn genetic diseases. Last evaluated: 2025-08-01. Review status: criteria provided, single submitter. Criteria: Ambry Variant Classification Scheme 2023. Collection method: clinical testing. Allele origin: germline.

Labcorp Genetics (formerly Invitae), Labcorp
Classification: Uncertain significance. Last evaluated: 2022-09-27. Review status: criteria provided, single submitter. Criteria: Invitae Variant Classification Sherloc (09022015). Collection method: clinical testing. Allele origin: germline.
Comment: This sequence change replaces arginine, which is basic and polar, with tryptophan, which is neutral and slightly polar, at codon 415 of the ACBD5 protein (p.Arg415Trp). This variant is present in population databases (rs369898700, gnomAD 0.004%). This variant has not been reported in the literature in individuals affected with ACBD5-related conditions. ClinVar contains an entry for this variant (Variation ID: 1347157). Advanced modeling of protein sequence and biophysical properties (such as structural, functional, and spatial information, amino acid conservation, physicochemical variation, residue mobility, and thermodynamic stability) performed at Invitae indicates that this missense variant is not expected to disrupt ACBD5 protein function. In summary, the available evidence is currently insufficient to determine the role of this variant in disease. Therefore, it has been classified as a Variant of Uncertain Significance.